The following is an entry in ClinVar:

ClinVar aggregate classification (germline): Likely benign. Review status: criteria provided, multiple submitters, no conflicts (2 of 4 stars). 2 submissions from 2 submitters: Likely benign (2). Last evaluated 2018-06-20.

Conditions:
Maturity-onset diabetes of the young (MODY). Also called: Maturity onset diabetes mellitus in young. Identifiers: Orphanet 552, MedGen C0342276, MONDO:0018911, HP:0004904.

Allele frequency attached by ClinVar (database versions not stated): gnomAD 0.01088 and 0.01150; TOPMed 0.01185; 1000 Genomes Project 30x 0.01327; 1000 Genomes Project 0.01378.
gnomAD v4.1: 1,634 of 152,266 alleles (1.1%); highest among the groups gnomAD compares: African/African-American, 3.7%; 38 homozygotes.

Submissions (2):

GeneDx
Classification: Likely benign. Last evaluated: 2018-06-20. Review status: criteria provided, single submitter. Criteria: GeneDx Variant Classification (06012015). Collection method: clinical testing. Allele origin: germline. Affected: yes.
Comment: This variant is considered likely benign or benign based on one or more of the following criteria: it is a conservative change, it occurs at a poorly conserved position in the protein, it is predicted to be benign by multiple in silico algorithms, and/or has population frequency not consistent with disease.

Clinical Genomics, Uppaluri K&H Personalized Medicine Clinic
Classification: Likely benign for Maturity-onset diabetes of the young. Review status: criteria provided, single submitter. Criteria: K & H Uppaluri Personalized Medicine Clinic Variant Classification & Assertion Criteria_Updated V.1. Collection method: research. Allele origin: unknown. Inheritance: Autosomal dominant inheritance.
Comment: HNF1B gene mutations are associated with early onset diabetes and pancreatic atrophy. It is also associated with multiple renal manifestations including renal cysts, Tubulointerstitial disease, glomerulocystic disease, renal hypoplasia, hypomagnesemia. However no sufficient evidence is found to ascertain the role of this particular variant rs112298654, yet.

Literature cited by the submitters: PubMed 24897035 (cited by Clinical Genomics, Uppaluri K&H Personalized Medicine Clinic); PubMed 25536396 (cited by Clinical Genomics, Uppaluri K&H Personalized Medicine Clinic); PubMed 27615128 (cited by Clinical Genomics, Uppaluri K&H Personalized Medicine Clinic); PubMed 28215227 (cited by Clinical Genomics, Uppaluri K&H Personalized Medicine Clinic); PubMed 33434175 (cited by Clinical Genomics, Uppaluri K&H Personalized Medicine Clinic); PubMed 25741167 (cited by Clinical Genomics, Uppaluri K&H Personalized Medicine Clinic); PubMed 26340261 (cited by Clinical Genomics, Uppaluri K&H Personalized Medicine Clinic); PubMed 19639018 (cited by Clinical Genomics, Uppaluri K&H Personalized Medicine Clinic).

NM_000458.4(HNF1B):c.1340-303T>A

Gene: HNF1B (HNF1 homeobox B; minus strand). Cytogenetic location: 17q12.
Variant type: single nucleotide variant.
Coding change: c.1340-303T>A on transcript NM_000458.4 (MANE Select); 303 bases into the intron before coding-DNA position 1340, T replaced by A.
Molecular consequence: intron variant.
Genome position (GRCh38, 1-based): chr17:37,701,480, A>T on the plus strand (T>A on the coding strand, the complement: HNF1B is on the minus strand). VCF-style: chr17-37701480-A-T. GRCh37 (hg19) VCF-style: chr17-36061485-A-T.
Other names: c.1261+3437T>A (NM_001304286.2); c.1262-303T>A (NM_001165923.4).
Identifiers: ClinVar variation 674307 (VCV000674307.2), dbSNP rs112298654, ClinGen allele CA290294951.